The following is an entry in ClinVar:

ClinVar aggregate classification (germline): Pathogenic (1 of 4 stars; one submission).

Conditions:
Hereditary cancer-predisposing syndrome. Also called: Neoplastic Syndromes, Hereditary; Tumor predisposition; Hereditary Cancer Syndrome; Hereditary neoplastic syndrome. Identifiers: Orphanet 140162, MedGen C0027672, MeSH D009386, MONDO:0015356.

Submission:

Ambry Genetics
Classification: Pathogenic for Hereditary cancer-predisposing syndrome. Last evaluated: 2026-05-13. Review status: criteria provided, single submitter. Criteria: Ambry Variant Classification Scheme 2023. Collection method: clinical testing. Allele origin: germline.
Comment: The p.E1638* pathogenic mutation (also known as c.4912G>T), located in coding exon 22 of the DICER1 gene, results from a G to T substitution at nucleotide position 4912. This changes the amino acid from a glutamic acid to a stop codon within coding exon 22. This variant is considered to be rare based on population cohorts in the Genome Aggregation Database (gnomAD). This alteration is expected to result in loss of function by premature protein truncation or nonsense-mediated mRNA decay. As such, this alteration is interpreted as a disease-causing mutation.

NM_177438.3(DICER1):c.4912G>T (p.Glu1638Ter)

Gene: DICER1 (dicer 1, ribonuclease III; minus strand). Cytogenetic location: 14q32.13.
Variant type: single nucleotide variant.
Coding change: c.4912G>T on transcript NM_177438.3 (MANE Select); coding-DNA position 4912, G replaced by T.
Protein change: p.Glu1638Ter; replaces glutamic acid 1638 with a stop codon.
Molecular consequence: nonsense. On other transcripts: non-coding transcript variant (6).
Genome position (GRCh38, 1-based): chr14:95,096,008, C>A on the plus strand (G>T on the coding strand, the complement: DICER1 is on the minus strand). VCF-style: chr14-95096008-C-A. GRCh37 (hg19) VCF-style: chr14-95562345-C-A.
Other names: c.4912G>T, p.Glu1638Ter (NM_001195573.1, NM_001271282.3, NM_001291628.2 and 12 more transcripts); c.4630G>T, p.Glu1544Ter (NM_001395686.1); c.4507G>T, p.Glu1503Ter (NM_001395687.1, NM_001395688.1, NM_001395689.1 and 2 more transcripts); c.4345G>T, p.Glu1449Ter (NM_001395691.1); c.3229G>T, p.Glu1077Ter (NM_001395697.1); short protein forms E1077*, E1449*, E1503*, E1544*, E1638*.
Identifiers: ClinVar variation 4869780 (VCV004869780.1).